The following is an entry in ClinVar:

NM_000384.3(APOB):c.9606dup (p.Ser3203fs)

Gene: APOB (apolipoprotein B; minus strand). Cytogenetic location: 2p24.1.
Variant type: Duplication.
Coding change: c.9606dup on transcript NM_000384.3 (MANE Select); coding-DNA position 9606, one base duplicated (A; older notation c.9606dupA).
Protein change: p.Ser3203fs; shifts the reading frame from serine 3203.
Molecular consequence: frameshift variant.
Genome position (GRCh38, 1-based): chr2:21,007,262, T duplicated on the plus strand (A on the coding strand, the reverse complement: APOB is on the minus strand); the first of 3 consecutive T bases (chr2:21,007,262-21,007,264); duplicating any one gives the same sequence. VCF-style (leftmost placement, unchanged base first): chr2-21007261-A-AT. GRCh37 (hg19) VCF-style: chr2-21230133-A-AT.
Other names: short protein forms S3203fs.
Identifiers: ClinVar variation 2948441 (VCV002948441.3), dbSNP rs2465362511, ClinGen allele CA2740092723.

ClinVar aggregate classification (germline): Pathogenic (1 of 4 stars; one submission).

Conditions:
Familial hypobetalipoproteinemia 1. Also called: APOB-Related Familial Hypobetalipoproteinemia; Hypobetalipoproteinemia, normotriglyceridemic; Acanthocytosis with hypobetalipoproteinemia. Identifiers: MedGen C4551990, MONDO:0014252, OMIM 615558.
Hypercholesterolemia, autosomal dominant, type B (FHCL2). Also called: Familial Hypercholesterolemia Type B; APOLIPOPROTEIN B-100, FAMILIAL DEFECTIVE; APOLIPOPROTEIN B-100, FAMILIAL LIGAND-DEFECTIVE; HYPERCHOLESTEROLEMIA, FAMILIAL, DUE TO LIGAND-DEFECTIVE APOLIPOPROTEIN B; Hyperlipoproteinemia Type IIb; Familial hypercholesterolemia 2. Identifiers: MedGen C1704417, MONDO:0007751, OMIM 144010.

Submission:

Labcorp Genetics (formerly Invitae), Labcorp
Classification: Pathogenic for Familial hypobetalipoproteinemia 1; Hypercholesterolemia, autosomal dominant, type B. Last evaluated: 2023-06-02. Review status: criteria provided, single submitter. Criteria: Invitae Variant Classification Sherloc (09022015). Collection method: clinical testing. Allele origin: germline.
Comment: This variant is not present in population databases (gnomAD no frequency). For these reasons, this variant has been classified as Pathogenic. This variant has not been reported in the literature in individuals affected with APOB-related conditions. This sequence change creates a premature translational stop signal (p.Ser3203Ilefs*3) in the APOB gene. It is expected to result in an absent or disrupted protein product. Loss-of-function variants in APOB are known to be pathogenic (PMID: 20032471).

Literature cited by the submitters: PubMed 20032471.